The following is an entry in ClinVar:

NM_007294.4(BRCA1):c.4747A>G (p.Arg1583Gly)

Gene: BRCA1 (BRCA1 DNA repair associated; minus strand). Cytogenetic location: 17q21.31.
Variant type: single nucleotide variant.
Coding change: c.4747A>G on transcript NM_007294.4 (MANE Select); coding-DNA position 4747, A replaced by G.
Protein change: p.Arg1583Gly; replaces arginine 1583 with glycine.
Molecular consequence: missense variant. On other transcripts: non-coding transcript variant (1).
Genome position (GRCh38, 1-based): chr17:43,071,167, T>C on the plus strand (A>G on the coding strand, the complement: BRCA1 is on the minus strand). VCF-style: chr17-43071167-T-C. GRCh37 (hg19) VCF-style: chr17-41223184-T-C.
Other names: c.4747A>G, p.Arg1583Gly (NM_001407597.1, NM_001407598.1, NM_001407605.1 and 8 more transcripts); c.1225A>G, p.Arg409Gly (NM_001408483.1, NM_001408484.1, NM_001408489.1 and 5 more transcripts); c.1222A>G, p.Arg408Gly (NM_001408492.1, NM_001408493.1); c.4744A>G, p.Arg1582Gly (NM_001407612.1, NM_001407611.1, NM_001407613.1 and 17 more transcripts); c.4534A>G, p.Arg1512Gly (NM_001407571.1, NM_001407894.1, NM_001407895.1 and 12 more transcripts); c.4813A>G, p.Arg1605Gly (NM_001407581.1, NM_001407582.1); c.4810A>G, p.Arg1604Gly (NM_001407583.1, NM_001407585.1, NM_001407587.1 and 1 more transcripts); c.4807A>G, p.Arg1603Gly (NM_001407590.1, NM_001407591.1); and 70 more; short protein forms R479G, R1604G, R1536G, R1583G, R1429G, R1455G, R1471G, R1493G.
Identifiers: ClinVar variation 928447 (VCV000928447.8), dbSNP rs2052417045, ClinGen allele CA10592015.

ClinVar aggregate classification (germline): Uncertain significance. Review status: criteria provided, multiple submitters, no conflicts (2 of 4 stars). 2 submissions from 2 submitters: Uncertain significance (2). Last evaluated 2024-09-10.

Conditions:
Hereditary cancer-predisposing syndrome. Also called: Neoplastic Syndromes, Hereditary; Hereditary Cancer Syndrome; Tumor predisposition; Hereditary neoplastic syndrome. Identifiers: Orphanet 140162, MedGen C0027672, MeSH D009386, MONDO:0015356.
Hereditary breast ovarian cancer syndrome. Also called: Hereditary breast and ovarian cancer syndrome; Hereditary breast and ovarian cancer syndrome (HBOC); Hereditary breast and/or ovarian cancer syndrome; Hereditary breast and ovarian cancer; Breast and ovarian cancer; BRCA1- and BRCA2-Associated Hereditary Breast and Ovarian Cancer. Identifiers: Orphanet 145, MedGen C0677776, MeSH D061325, MONDO:0003582. Disease mechanism: loss of function.

Submissions (2):

Color Diagnostics, LLC DBA Color Health
Classification: Uncertain significance for Hereditary cancer-predisposing syndrome. Last evaluated: 2024-09-10. Review status: criteria provided, single submitter. Criteria: ACMG Guidelines, 2015. Collection method: clinical testing. Allele origin: germline.
Comment: This missense variant replaces arginine with glycine at codon 1583 of the BRCA1 protein. Computational prediction tool is inconclusive regarding the impact of this variant on protein structure and function. To our knowledge, functional studies have not been performed for this variant. This variant has not been reported in individuals affected with hereditary cancer in the literature. This variant has not been identified in the general population by the Genome Aggregation Database (gnomAD). The available evidence is insufficient to determine the role of this variant in disease conclusively. Therefore, this variant is classified as a Variant of Uncertain Significance.

Labcorp Genetics (formerly Invitae), Labcorp
Classification: Uncertain significance for Hereditary breast ovarian cancer syndrome. Last evaluated: 2023-12-24. Review status: criteria provided, single submitter. Criteria: Invitae Variant Classification Sherloc (09022015). Collection method: clinical testing. Allele origin: germline.
Comment: This sequence change replaces arginine, which is basic and polar, with glycine, which is neutral and non-polar, at codon 1583 of the BRCA1 protein (p.Arg1583Gly). This variant is not present in population databases (gnomAD no frequency). This variant has not been reported in the literature in individuals affected with BRCA1-related conditions. ClinVar contains an entry for this variant (Variation ID: 928447). Advanced modeling of protein sequence and biophysical properties (such as structural, functional, and spatial information, amino acid conservation, physicochemical variation, residue mobility, and thermodynamic stability) performed at Invitae indicates that this missense variant is not expected to disrupt BRCA1 protein function with a negative predictive value of 95%. In summary, the available evidence is currently insufficient to determine the role of this variant in disease. Therefore, it has been classified as a Variant of Uncertain Significance.